The following is an entry in ClinVar:

NM_002386.4(MC1R):c.210C>T (p.His70=)

Gene: MC1R (melanocortin 1 receptor; plus strand). Cytogenetic location: 16q24.3.
Variant type: single nucleotide variant.
Coding change: c.210C>T on transcript NM_002386.4 (MANE Select); coding-DNA position 210, C replaced by T.
Protein change: p.His70=; no amino-acid change (histidine 70 retained).
Molecular consequence: synonymous variant.
Genome position (GRCh38, 1-based): chr16:89,919,468, C>T. VCF-style: chr16-89919468-C-T. GRCh37 (hg19) VCF-style: chr16-89985876-C-T.
Identifiers: ClinVar variation 2007099 (VCV002007099.4), dbSNP rs2544608974, ClinGen allele CA497380939.
Genomic context (GRCh38, chr16:89,919,468, plus strand): 5'-GGTGAGCTTGGTGGAGAACGCGCTGGTGGTGGCCACCATCGCCAAGAACCGGAACCTGCA[C>T]TCACCCATGTACTGCTTCATCTGCTGCCTGGCCTTGTCGGACCTGCTGGTGAGCGGGAGC-3'
Protein context (NP_002377.4, residues 60-80): VATIAKNRNL[His70=]SPMYCFICCL

ClinVar aggregate classification (germline): Uncertain significance (1 of 4 stars; one submission).

Conditions:
Melanoma, cutaneous malignant, susceptibility to, 5. Also called: Cutaneous malignant melanoma 5. Identifiers: Orphanet 618, MedGen C2751295, MONDO:0013133, OMIM 613099.

Allele frequency attached by ClinVar (database versions not stated): gnomAD exomes below 0.00001.

Submission:

Labcorp Genetics (formerly Invitae), Labcorp
Classification: Uncertain significance for Melanoma, cutaneous malignant, susceptibility to, 5. Last evaluated: 2022-06-15. Review status: criteria provided, single submitter. Criteria: Invitae Variant Classification Sherloc (09022015). Collection method: clinical testing. Allele origin: germline.
Comment: This variant is not present in population databases (gnomAD no frequency). This sequence change affects codon 70 of the MC1R mRNA. It is a 'silent' change, meaning that it does not change the encoded amino acid sequence of the MC1R protein. This variant has not been reported in the literature in individuals affected with MC1R-related conditions. In summary, the available evidence is currently insufficient to determine the role of this variant in disease. Therefore, it has been classified as a Variant of Uncertain Significance.